The following is an entry in ClinVar:

ClinVar aggregate classification (germline): Likely pathogenic. Review status: criteria provided, multiple submitters, no conflicts (2 of 4 stars). 2 submissions from 2 submitters: Likely pathogenic (2). Last evaluated 2025-08-18.

Conditions:
Familial cancer of breast. Also called: BREAST CANCER, FAMILIAL; hereditary breast carcinoma; Hereditary breast cancer. Identifiers: Orphanet 227535, MedGen C0346153, MONDO:0016419, OMIM 114480. Disease mechanism: loss of function.
Fanconi anemia complementation group J. Also called: BRIP1-Related Fanconi Anemia. Identifiers: Orphanet 84, MedGen C1836860, MONDO:0012187, OMIM 609054.

Submissions (2):

Labcorp Genetics (formerly Invitae), Labcorp
Classification: Likely pathogenic for Familial cancer of breast; Fanconi anemia complementation group J. Last evaluated: 2025-08-18. Review status: criteria provided, single submitter. Criteria: Invitae Variant Classification Sherloc (09022015). Collection method: clinical testing. Allele origin: germline.
Comment: This sequence change affects a donor splice site in intron 2 of the BRIP1 gene. It is expected to disrupt RNA splicing. Variants that disrupt the donor or acceptor splice site typically lead to a loss of protein function (PMID: 16199547), and loss-of-function variants in BRIP1 are known to be pathogenic (PMID: 16116423, 17033622, 21964575). This variant is not present in population databases (gnomAD no frequency). Disruption of this splice site has been observed in individual(s) with clinical features of BRIP1-related conditions (PMID: 26315354, 26720728, 29625052, 31843900, 36451132). ClinVar contains an entry for this variant (Variation ID: 2583189). Algorithms developed to predict the effect of sequence changes on RNA splicing suggest that this variant may disrupt the consensus splice site. In summary, the currently available evidence indicates that the variant is pathogenic, but additional data are needed to prove that conclusively. Therefore, this variant has been classified as Likely Pathogenic.

Myriad Genetics, Inc.
Classification: Likely pathogenic for Familial cancer of breast. Last evaluated: 2023-05-30. Review status: criteria provided, single submitter. Criteria: Myriad Autosomal Dominant, Autosomal Recessive and X-Linked Classification Criteria (2023). Collection method: clinical testing. Allele origin: unknown.
Comment: This variant is considered likely pathogenic. This variant occurs within a consensus splice junction and is predicted to result in abnormal mRNA splicing of either an out-of-frame exon or an in-frame exon necessary for protein stability and/or normal function.

Literature cited by the submitters: PubMed 16199547 (cited by Labcorp Genetics (formerly Invitae), Labcorp); PubMed 16116423 (cited by Labcorp Genetics (formerly Invitae), Labcorp); PubMed 17033622 (cited by Labcorp Genetics (formerly Invitae), Labcorp); PubMed 21964575 (cited by Labcorp Genetics (formerly Invitae), Labcorp); PubMed 26315354 (cited by Labcorp Genetics (formerly Invitae), Labcorp); PubMed 26720728 (cited by Labcorp Genetics (formerly Invitae), Labcorp); PubMed 29625052 (cited by Labcorp Genetics (formerly Invitae), Labcorp); PubMed 31843900 (cited by Labcorp Genetics (formerly Invitae), Labcorp); PubMed 36451132 (cited by Labcorp Genetics (formerly Invitae), Labcorp).

NM_032043.3(BRIP1):c.93+1G>C

Gene: BRIP1 (BRCA1 interacting DNA helicase 1; minus strand). Cytogenetic location: 17q23.2.
Variant type: single nucleotide variant.
Coding change: c.93+1G>C on transcript NM_032043.3 (MANE Select); the canonical splice donor site of the intron after coding-DNA position 93, G replaced by C.
Molecular consequence: splice donor variant.
Genome position (GRCh38, 1-based): chr17:61,861,446, C>G on the plus strand (G>C on the coding strand, the complement: BRIP1 is on the minus strand). VCF-style: chr17-61861446-C-G. GRCh37 (hg19) VCF-style: chr17-59938807-C-G.
Identifiers: ClinVar variation 2583189 (VCV002583189.3), dbSNP rs587782047, ClinGen allele CA400485893.